The following is an entry in ClinVar:

NM_001142800.2(EYS):c.8829G>A (p.Trp2943Ter)

Genes: EYS (EGF-like photoreceptor maintenance factor; minus strand), PHF3 (PHD finger protein 3; plus strand). Cytogenetic location: 6q12.
Variant type: single nucleotide variant.
Coding change: c.8829G>A on transcript NM_001142800.2 (MANE Select); coding-DNA position 8829, G replaced by A.
Protein change: p.Trp2943Ter; replaces tryptophan 2943 with a stop codon.
Molecular consequence: nonsense. On other transcripts: 3 prime UTR variant (5).
Genome position (GRCh38, 1-based): chr6:63,721,202, C>T on the plus strand (G>A on the coding strand, the complement: EYS is on the minus strand). VCF-style: chr6-63721202-C-T. GRCh37 (hg19) VCF-style: chr6-64431098-C-T.
Other names: c.*7494C>T (NM_001290259.2, NM_001370348.2, NM_001370349.2 and 2 more transcripts); c.8892G>A, p.Trp2964Ter (NM_001292009.2); short protein forms W2964*, W2943*.
Identifiers: ClinVar variation 959784 (VCV000959784.9), dbSNP rs1768371329, ClinGen allele CA364383882.

ClinVar aggregate classification (germline): Pathogenic (1 of 4 stars; one submission).

gnomAD v4.1: 1 of 1,551,582 alleles (0.000064%); highest among the groups gnomAD compares: East Asian, 0.0024%; no homozygotes.

Submission:

Labcorp Genetics (formerly Invitae), Labcorp
Classification: Pathogenic. Last evaluated: 2025-08-10. Review status: criteria provided, single submitter. Criteria: Invitae Variant Classification Sherloc (09022015). Collection method: clinical testing. Allele origin: germline.
Comment: This sequence change creates a premature translational stop signal (p.Trp2943*) in the EYS gene. While this is not anticipated to result in nonsense mediated decay, it is expected to disrupt the last 202 amino acid(s) of the EYS protein. This variant is not present in population databases (gnomAD no frequency). This variant has not been reported in the literature in individuals affected with EYS-related conditions. ClinVar contains an entry for this variant (Variation ID: 959784). This variant disrupts a region of the EYS protein in which other variant(s) (p.Tyr3135*) have been determined to be pathogenic (PMID: 18976725, 30337596). This suggests that this is a clinically significant region of the protein, and that variants that disrupt it are likely to be disease-causing. For these reasons, this variant has been classified as Pathogenic.

Literature cited by the submitters: PubMed 18976725; PubMed 30337596.